The following is an entry in ClinVar:

NM_016247.4(IMPG2):c.2412_2413del (p.Ser804_Ala805insTer)

Gene: IMPG2 (interphotoreceptor matrix proteoglycan 2; minus strand). Cytogenetic location: 3q12.3.
Variant type: Deletion.
Coding change: c.2412_2413del on transcript NM_016247.4 (MANE Select); coding-DNA positions 2412 to 2413, 2 bases deleted (TG; older notation c.2412_2413delTG).
Protein change: p.Ser804_Ala805insTer.
Molecular consequence: frameshift variant.
Genome position (GRCh38, 1-based): chr3:101,243,918-101,243,919, CA deleted on the plus strand (TG on the coding strand, the reverse complement: IMPG2 is on the minus strand); deleting any 2 consecutive bases within chr3:101,243,918-101,243,920 gives the same sequence; the c. name uses the placement nearest the transcript's 3' end. VCF-style (leftmost placement, unchanged base first): chr3-101243917-GCA-G. GRCh37 (hg19) VCF-style: chr3-100962761-GCA-G.
Identifiers: ClinVar variation 236459 (VCV000236459.8), dbSNP rs878853358, ClinGen allele CA10581659.

ClinVar aggregate classification (germline): Pathogenic/Likely pathogenic. Review status: criteria provided, multiple submitters, no conflicts (2 of 4 stars). 3 submissions from 3 submitters: Pathogenic (1); Likely pathogenic (1). 1 of the submissions does not count toward it. Last evaluated 2023-11-27.

Conditions:
IMPG2-related disorders.
Retinal dystrophy. Also called: Inherited retinal dystrophy. Identifiers: Orphanet 71862, MedGen C0854723, MeSH D058499, MONDO:0019118, HP:0000556.

Submissions (3):

Labcorp Genetics (formerly Invitae), Labcorp
Classification: Pathogenic. Last evaluated: 2023-11-27. Review status: criteria provided, single submitter. Criteria: Invitae Variant Classification Sherloc (09022015). Collection method: clinical testing. Allele origin: germline.
Comment: This sequence change creates a premature translational stop signal (p.Ala805*) in the IMPG2 gene. It is expected to result in an absent or disrupted protein product. Loss-of-function variants in IMPG2 are known to be pathogenic (PMID: 20673862). This variant is not present in population databases (gnomAD no frequency). This premature translational stop signal has been observed in individual(s) with autosomal recessive inherited retinal dystrophy (PMID: 27208204). ClinVar contains an entry for this variant (Variation ID: 236459). For these reasons, this variant has been classified as Pathogenic.

Blueprint Genetics
Classification: Likely pathogenic for IMPG2-related disorders. Last evaluated: 2023-02-17. Review status: criteria provided, single submitter. Criteria: ACMG Guidelines, 2015. Collection method: clinical testing. Allele origin: germline. Affected: yes. Observed: 5 variant alleles.

Centre for Genomic Medicine, Manchester, Central Manchester University Hospitals
Classification: Likely pathogenic for Retinal dystrophy. Review status: no assertion criteria provided. Collection method: clinical testing. Allele origin: germline. Affected: yes. Not counted in ClinVar's aggregate classification.

Literature cited by the submitters: PubMed 20673862 (cited by Labcorp Genetics (formerly Invitae), Labcorp); PubMed 27208204 (cited by Labcorp Genetics (formerly Invitae), Labcorp).